The following is an entry in ClinVar:

NM_001129820.2(SLFN14):c.652A>G (p.Lys218Glu)

Gene: SLFN14 (schlafen family member 14; minus strand). Cytogenetic location: 17q12.
Variant type: single nucleotide variant.
Coding change: c.652A>G on transcript NM_001129820.2 (MANE Select); coding-DNA position 652, A replaced by G.
Protein change: p.Lys218Glu; replaces lysine 218 with glutamic acid.
Molecular consequence: missense variant.
Genome position (GRCh38, 1-based): chr17:35,557,411, T>C on the plus strand (A>G on the coding strand, the complement: SLFN14 is on the minus strand). VCF-style: chr17-35557411-T-C. GRCh37 (hg19) VCF-style: chr17-33884430-T-C.
Other names: short protein forms K218E.
Identifiers: ClinVar variation 225535 (VCV000225535.10), dbSNP rs869320716, ClinGen allele CA358898.

ClinVar aggregate classification (germline): Likely pathogenic. Review status: criteria provided, multiple submitters, no conflicts (2 of 4 stars). 4 submissions from 4 submitters: Likely pathogenic (2). 2 of the submissions do not count toward it. Last evaluated 2021-05-05.

Conditions:
Platelet-type bleeding disorder 20 (BDPLT20). Identifiers: Orphanet 466806, MedGen C4310797, MONDO:0014830, OMIM 616913.
Inborn genetic diseases. Identifiers: MedGen C0950123, MeSH D030342.

Submissions (4):

Revvity Omics, Revvity
Classification: Likely pathogenic for Platelet-type bleeding disorder 20. Last evaluated: 2021-05-05. Review status: criteria provided, single submitter. Criteria: ACMG Guidelines, 2015. Collection method: clinical testing. Allele origin: germline.

Ambry Genetics
Classification: Likely pathogenic for Inborn genetic diseases. Last evaluated: 2018-06-26. Review status: criteria provided, single submitter. Criteria: Ambry exome assertion method (8-5-2015). Collection method: clinical testing. Allele origin: germline. Affected: yes. Observed: 1 variant allele.

OMIM
Classification: Pathogenic for BLEEDING DISORDER, PLATELET-TYPE, 20. Last evaluated: 2023-11-02. Review status: no assertion criteria provided. Collection method: literature only. Allele origin: germline. Not counted in ClinVar's aggregate classification.

ISTH-SSC Genomics in Thrombosis and Hemostasis, KU Leuven, Center for Molecular and Vascular Biology
Classification: Uncertain significance for Platelet-type bleeding disorder 20. Review status: no assertion criteria provided. Collection method: research. Allele origin: unknown. Affected: yes. Not counted in ClinVar's aggregate classification.
Comment: Submitted to GoldVariant by Neil Morgan from Birmingham Platelet Group, Birmingham, UK

Literature cited by the submitters: PubMed 26280575 (cited by Ambry Genetics and OMIM); PubMed 29678925 (cited by Ambry Genetics).